The following is an entry in ClinVar:

ClinVar aggregate classification (germline): Uncertain significance (1 of 4 stars; one submission).

Conditions:
Inborn genetic diseases. Identifiers: MedGen C0950123, MeSH D030342.

Submission:

Ambry Genetics
Classification: Uncertain significance for Inborn genetic diseases. Last evaluated: 2025-05-17. Review status: criteria provided, single submitter. Criteria: Ambry Variant Classification Scheme 2023. Collection method: clinical testing. Allele origin: germline.
Comment: The p.N1006H variant (also known as c.3016A>C), located in coding exon 13 of the BMPR2 gene, results from an A to C substitution at nucleotide position 3016. The asparagine at codon 1006 is replaced by histidine, an amino acid with similar properties. This amino acid position is conserved. In addition, this alteration is predicted to be tolerated by in silico analysis. Since supporting evidence is limited at this time, the clinical significance of this alteration remains unclear.

NM_001204.7(BMPR2):c.3016A>C (p.Asn1006His)

Gene: BMPR2 (bone morphogenetic protein receptor type 2; plus strand). Cytogenetic location: 2q33.2.
Variant type: single nucleotide variant.
Coding change: c.3016A>C on transcript NM_001204.7 (MANE Select); coding-DNA position 3016, A replaced by C.
Protein change: p.Asn1006His; replaces asparagine 1006 with histidine.
Molecular consequence: missense variant.
Genome position (GRCh38, 1-based): chr2:202,559,845, A>C. VCF-style: chr2-202559845-A-C. GRCh37 (hg19) VCF-style: chr2-203424568-A-C.
Other names: short protein forms N1006H.
Identifiers: ClinVar variation 1798855 (VCV001798855.3), dbSNP rs2468751366, ClinGen allele CA350350592.